The following is an entry in ClinVar:

ClinVar aggregate classification (germline): Uncertain significance (1 of 4 stars; one submission).

Conditions:
Hereditary cancer-predisposing syndrome. Also called: Tumor predisposition; Hereditary neoplastic syndrome; Neoplastic Syndromes, Hereditary; Hereditary Cancer Syndrome. Identifiers: Orphanet 140162, MedGen C0027672, MeSH D009386, MONDO:0015356.

Submission:

Ambry Genetics
Classification: Uncertain significance for Hereditary cancer-predisposing syndrome. Last evaluated: 2019-10-25. Review status: criteria provided, single submitter. Criteria: Ambry Variant Classification Scheme 2023. Collection method: clinical testing. Allele origin: germline.
Comment: The p.D390Y variant (also known as c.1168G>T), located in coding exon 8 of the PTCH1 gene, results from a G to T substitution at nucleotide position 1168. The aspartic acid at codon 390 is replaced by tyrosine, an amino acid with highly dissimilar properties. This amino acid position is well conserved in available vertebrate species. In addition, the in silico prediction for this alteration is inconclusive. Since supporting evidence is limited at this time, the clinical significance of this alteration remains unclear.

NM_000264.5(PTCH1):c.1168G>T (p.Asp390Tyr)

Gene: PTCH1 (patched 1; minus strand). Cytogenetic location: 9q22.32.
Variant type: single nucleotide variant.
Coding change: c.1168G>T on transcript NM_000264.5 (MANE Select); coding-DNA position 1168, G replaced by T.
Protein change: p.Asp390Tyr; replaces aspartic acid 390 with tyrosine.
Molecular consequence: missense variant. On other transcripts: non-coding transcript variant (1).
Genome position (GRCh38, 1-based): chr9:95,479,047, C>A on the plus strand (G>T on the coding strand, the complement: PTCH1 is on the minus strand). VCF-style: chr9-95479047-C-A. GRCh37 (hg19) VCF-style: chr9-98241329-C-A.
Other names: c.970G>T, p.Asp324Tyr (NM_001083602.3); c.1165G>T, p.Asp389Tyr (NM_001083603.3); c.715G>T, p.Asp239Tyr (NM_001083604.3, NM_001083605.3, NM_001083606.3 and 1 more transcripts); c.1168G>T, p.Asp390Tyr (NM_001354918.2); short protein forms D239Y, D390Y, D324Y, D389Y.
Identifiers: ClinVar variation 818475 (VCV000818475.4), dbSNP rs1588605451, ClinGen allele CA374119305.